The following is an entry in ClinVar:

NM_000051.4(ATM):c.5087A>C (p.Tyr1696Ser)

Gene: ATM (ATM serine/threonine kinase; plus strand). Cytogenetic location: 11q22.3.
Variant type: single nucleotide variant.
Coding change: c.5087A>C on transcript NM_000051.4 (MANE Select); coding-DNA position 5087, A replaced by C.
Protein change: p.Tyr1696Ser; replaces tyrosine 1696 with serine.
Molecular consequence: missense variant.
Genome position (GRCh38, 1-based): chr11:108,299,795, A>C. VCF-style: chr11-108299795-A-C. GRCh37 (hg19) VCF-style: chr11-108170522-A-C.
Other names: c.5087A>C, p.Tyr1696Ser (NM_001351834.2); short protein forms Y1696S.
Identifiers: ClinVar variation 3967124 (VCV003967124.1).

ClinVar aggregate classification (germline): Uncertain significance (1 of 4 stars; one submission).

Conditions:
Hereditary cancer-predisposing syndrome. Also called: Tumor predisposition; Hereditary neoplastic syndrome; Hereditary Cancer Syndrome; Neoplastic Syndromes, Hereditary. Identifiers: Orphanet 140162, MedGen C0027672, MeSH D009386, MONDO:0015356.

Submission:

Ambry Genetics
Classification: Uncertain significance for Hereditary cancer-predisposing syndrome. Last evaluated: 2025-05-15. Review status: criteria provided, single submitter. Criteria: Ambry Variant Classification Scheme 2023. Collection method: clinical testing. Allele origin: germline.
Comment: The p.Y1696S variant (also known as c.5087A>C), located in coding exon 33 of the ATM gene, results from an A to C substitution at nucleotide position 5087. The tyrosine at codon 1696 is replaced by serine, an amino acid with dissimilar properties. This amino acid position is conserved. In addition, this alteration is predicted to be tolerated by in silico analysis. Based on the available evidence, the clinical significance of this variant remains unclear.